The following is an entry in ClinVar:

NM_005411.5(SFTPA1):c.477C>T (p.Gly159=)

Gene: SFTPA1 (surfactant protein A1; plus strand). Cytogenetic location: 10q22.3.
Variant type: single nucleotide variant.
Coding change: c.477C>T on transcript NM_005411.5 (MANE Select); coding-DNA position 477, C replaced by T.
Protein change: p.Gly159=; no amino-acid change (glycine 159 retained).
Molecular consequence: synonymous variant.
Genome position (GRCh38, 1-based): chr10:79,613,843, C>T. VCF-style: chr10-79613843-C-T. GRCh37 (hg19) VCF-style: chr10-81373599-C-T.
Other names: c.522C>T, p.Gly174= (NM_001093770.3); c.477C>T, p.Gly159= (NM_001164644.2, NM_001164647.1); c.375C>T, p.Gly125= (NM_001164645.2); c.330C>T, p.Gly110= (NM_001164646.2).
Identifiers: ClinVar variation 3046380 (VCV003046380.2), dbSNP rs773848066, ClinGen allele CA5574545.

ClinVar aggregate classification (germline): Likely benign (0 of 4 stars; one submission).

Conditions:
SFTPA1-related disorder. Also called: SFTPA1-related condition.

Allele frequency attached by ClinVar (database versions not stated): gnomAD exomes below 0.00001; gnomAD 0.00001; TOPMed 0.00001; ExAC 0.00002.

Submission:

PreventionGenetics, part of Exact Sciences
Classification: Likely benign for SFTPA1-related condition. Last evaluated: 2020-03-31. Review status: no assertion criteria provided. Collection method: clinical testing. Allele origin: germline.
Comment: This variant is classified as likely benign based on ACMG/AMP sequence variant interpretation guidelines (Richards et al. 2015 PMID: 25741868, with internal and published modifications).